The following is an entry in ClinVar:

NM_000094.4(COL7A1):c.8528-45G>A

Gene: COL7A1 (collagen type VII alpha 1 chain; minus strand). Cytogenetic location: 3p21.31.
Variant type: single nucleotide variant.
Coding change: c.8528-45G>A on transcript NM_000094.4 (MANE Select); 45 bases into the intron before coding-DNA position 8528, G replaced by A.
Molecular consequence: intron variant.
Genome position (GRCh38, 1-based): chr3:48,565,246, C>T on the plus strand (G>A on the coding strand, the complement: COL7A1 is on the minus strand). VCF-style: chr3-48565246-C-T. GRCh37 (hg19) VCF-style: chr3-48602679-C-T.
Identifiers: ClinVar variation 2499263 (VCV002499263.3), dbSNP rs781077978, ClinGen allele CA2377953.
Genomic context (GRCh38, chr3:48,565,246, plus strand): 5'-TCAGGGGGTACCCGCTCTGCAGGTAGGGCAGGGTGTGCTGGGAGCAGTGGCTGCTGGCCC[C>T]GGGGCAAGGTGGGCAGCACTGATTTCCACTGTGTGCACACAGTGCCCATGCGTGTGCCCT-3'

ClinVar aggregate classification (germline): Conflicting classifications of pathogenicity. Review status: criteria provided, conflicting classifications (1 of 4 stars). 2 submissions from 2 submitters: Likely pathogenic (1); Uncertain significance (1). Last evaluated 2022-09-07.

Conditions:
Recessive dystrophic epidermolysis bullosa (RDEB). Also called: Epidermolysis Bullosa Distrophica Autosomal Recessive (RDEB); EPIDERMOLYSIS BULLOSA DYSTROPHICA, GENERALIZED SEVERE, AUTOSOMAL RECESSIVE; severe generalized recessive dystrophic epidermolysis bullosa; epidermolysis bullosa dystrophica, autosomal recessive; Recessive DEB (RDEB); DYSTROPHIC EPIDERMOLYSIS BULLOSA, AUTOSOMAL RECESSIVE. Identifiers: Orphanet 79408, Orphanet 79409, MedGen C0079474, MONDO:0009179, OMIM 226600.

Allele frequency attached by ClinVar (database versions not stated): gnomAD exomes 0.00001; ExAC 0.00001; TOPMed 0.00002.
gnomAD v4.1: 8 of 1,577,550 alleles (0.00051%); highest among the groups gnomAD compares: African/African-American, 0.0013%; no homozygotes.

Submissions (2):

GeneDx
Classification: Likely pathogenic. Last evaluated: 2022-09-07. Review status: criteria provided, single submitter. Criteria: GeneDx Variant Classification Process June 2021. Collection method: clinical testing. Allele origin: germline. Affected: yes.
Comment: RNA analysis demonstrates that the variant creates a cryptic acceptor splice site leading to inclusion of intronic sequence, predicted to cause a frameshift and premature termination of the resulting protein (Rossi et al., 2021); In silico analysis supports a deleterious effect on splicing; This variant is associated with the following publications: (PMID: 33274474)

Juno Genomics, Hangzhou Juno Genomics, Inc
Classification: Uncertain significance for Recessive dystrophic epidermolysis bullosa. Review status: criteria provided, single submitter. Criteria: ACMG Guidelines, 2015. Collection method: clinical testing. Allele origin: germline. Affected: yes.
Comment: Absent from controls (or at extremely low frequency if recessive) in Genome Aggregation Database, Exome Sequencing Project, 1000 Genomes Project, or Exome Aggregation Consortium.;Multiple lines of computational evidence support a deleterious effect on the gene or gene product (conservation, evolutionary, splicing impact, etc).;Patient's phenotype or family history is highly specific for a disease with a single genetic etiology.